The following is an entry in ClinVar:

NM_001395413.1(POR):c.2009G>A (p.Arg670His)

Gene: POR (cytochrome p450 oxidoreductase; plus strand). Cytogenetic location: 7q11.23.
Variant type: single nucleotide variant.
Coding change: c.2009G>A on transcript NM_001395413.1 (MANE Select); coding-DNA position 2009, G replaced by A.
Protein change: p.Arg670His; replaces arginine 670 with histidine.
Molecular consequence: missense variant.
Genome position (GRCh38, 1-based): chr7:75,986,456, G>A. VCF-style: chr7-75986456-G-A. GRCh37 (hg19) VCF-style: chr7-75615774-G-A.
Other names: c.2009G>A, p.Arg670His (NM_001367562.3, NM_001382657.2, NM_001382658.3 and 1 more transcripts); c.2063G>A, p.Arg688His (NM_001382655.3); c.1859G>A, p.Arg620His (NM_001382662.3); short protein forms R620H, R670H, R688H.
Identifiers: ClinVar variation 1377061 (VCV001377061.5), dbSNP rs376693603, ClinGen allele CA4304403.

ClinVar aggregate classification (germline): Uncertain significance (1 of 4 stars; one submission).

Conditions:
Congenital adrenal hyperplasia due to cytochrome P450 oxidoreductase deficiency. Also called: DISORDERED STEROIDOGENESIS DUE TO POR DEFICIENCY. Identifiers: Orphanet 95699, MedGen C1860042, MONDO:0013310, OMIM 613571.

Allele frequency attached by ClinVar (database versions not stated): gnomAD 0.00013 and 0.00014; TOPMed 0.00013.
gnomAD v4.1: 104 of 1,611,350 alleles (0.0065%); highest among the groups gnomAD compares: Admixed American, 0.013%; 1 homozygote.

Submission:

Labcorp Genetics (formerly Invitae), Labcorp
Classification: Uncertain significance for Congenital adrenal hyperplasia due to cytochrome P450 oxidoreductase deficiency. Last evaluated: 2022-09-07. Review status: criteria provided, single submitter. Criteria: Invitae Variant Classification Sherloc (09022015). Collection method: clinical testing. Allele origin: germline.
Comment: This sequence change replaces arginine, which is basic and polar, with histidine, which is basic and polar, at codon 673 of the POR protein (p.Arg673His). This variant is present in population databases (rs376693603, gnomAD 0.02%). This variant has not been reported in the literature in individuals affected with POR-related conditions. ClinVar contains an entry for this variant (Variation ID: 1377061). Algorithms developed to predict the effect of missense changes on protein structure and function are either unavailable or do not agree on the potential impact of this missense change (SIFT: "Deleterious"; PolyPhen-2: "Probably Damaging"; Align-GVGD: "Class C0"). In summary, the available evidence is currently insufficient to determine the role of this variant in disease. Therefore, it has been classified as a Variant of Uncertain Significance.